The following is an entry in ClinVar:

ClinVar aggregate classification (germline): Uncertain significance. Review status: criteria provided, multiple submitters, no conflicts (2 of 4 stars). 2 submissions from 2 submitters: Uncertain significance (2). Last evaluated 2024-12-01.

Conditions:
CREBBP-related disorder. Also called: CREBBP-related disorders; CREBBP-related condition.
Menke-Hennekam syndrome 1 (MKHK1). Identifiers: MedGen C5193034, MONDO:0020763, OMIM 618332.
Rubinstein-Taybi syndrome due to CREBBP mutations (RSTS1). Also called: RUBINSTEIN-TAYBI SYNDROME 1, INCOMPLETE; BROAD THUMB-HALLUX SYNDROME; RUBINSTEIN SYNDROME; BROAD THUMBS AND GREAT TOES, CHARACTERISTIC FACIES, AND IMPAIRED INTELLECTUAL DEVELOPMENT; Rubinstein-Taybi syndrome 1; CREBBP-Related Rubinstein-Taybi Syndrome. Identifiers: Orphanet 353277, Orphanet 783, MedGen C4551859, MONDO:0008393, OMIM 180849.

Submissions (2):

PreventionGenetics, part of Exact Sciences
Classification: Uncertain significance for CREBBP-related condition. Last evaluated: 2024-12-01. Review status: criteria provided, single submitter. Criteria: ACMG Guidelines, 2015. Collection method: clinical testing. Allele origin: germline.
Comment: The CREBBP c.921G>T variant is predicted to result in the amino acid substitution p.Leu307Phe. To our knowledge, this variant has not been reported in the literature or in a large population database (gnomAD), indicating this variant is rare. At this time, the clinical significance of this variant is uncertain due to the absence of conclusive functional and genetic evidence.

Fulgent Genetics
Classification: Uncertain significance for Rubinstein-Taybi syndrome due to CREBBP mutations; Menke-Hennekam syndrome 1. Last evaluated: 2024-01-14. Review status: criteria provided, single submitter. Criteria: ACMG Guidelines, 2015. Collection method: clinical testing. Allele origin: germline.

NM_004380.3(CREBBP):c.921G>T (p.Leu307Phe)

Gene: CREBBP (CREB binding lysine acetyltransferase; minus strand). Cytogenetic location: 16p13.3.
Variant type: single nucleotide variant.
Coding change: c.921G>T on transcript NM_004380.3 (MANE Select); coding-DNA position 921, G replaced by T.
Protein change: p.Leu307Phe; replaces leucine 307 with phenylalanine.
Molecular consequence: missense variant.
Genome position (GRCh38, 1-based): chr16:3,810,657, C>A on the plus strand (G>T on the coding strand, the complement: CREBBP is on the minus strand). VCF-style: chr16-3810657-C-A. GRCh37 (hg19) VCF-style: chr16-3860658-C-A.
Other names: c.921G>T (NM_004380.2); c.921G>T, p.Leu307Phe (NM_001079846.1); short protein forms L307F.
Identifiers: ClinVar variation 3580664 (VCV003580664.2).